The following is an entry in ClinVar:

NM_000035.4(ALDOB):c.999+2T>C

Gene: ALDOB (aldolase, fructose-bisphosphate B; minus strand). Cytogenetic location: 9q31.1.
Variant type: single nucleotide variant.
Coding change: c.999+2T>C on transcript NM_000035.4 (MANE Select); the canonical splice donor site of the intron after coding-DNA position 999, T replaced by C.
Molecular consequence: splice donor variant.
Genome position (GRCh38, 1-based): chr9:101,424,841, A>G on the plus strand (T>C on the coding strand, the complement: ALDOB is on the minus strand). VCF-style: chr9-101424841-A-G. GRCh37 (hg19) VCF-style: chr9-104187123-A-G.
Identifiers: ClinVar variation 2094555 (VCV002094555.4), dbSNP rs2490118398, ClinGen allele CA374264148.
Genomic context (GRCh38, chr9:101,424,841, plus strand): 5'-GTTGGAAAGTCAAGCCCCAAATGTGAACATCATCAAGTAGATAAGAGGTGGCAGCATCTT[A>G]CCATGGCCCGCTTCATAAAAGCCTCCTGGGTTGCCTCCTTGTTTGCAGCCTTGCCACCCC-3'

ClinVar aggregate classification (germline): Pathogenic (1 of 4 stars; one submission).

Conditions:
Hereditary fructosuria. Also called: Fructose intolerance; ALDOB DEFICIENCY; ALDOLASE B DEFICIENCY; FRUCTOSE-1,6-BISPHOSPHATE ALDOLASE B DEFICIENCY; FRUCTOSE-1-PHOSPHATE ALDOLASE DEFICIENCY; FRUCTOSEMIA. Identifiers: Orphanet 469, MedGen C0016751, MONDO:0009249, OMIM 229600, HP:0005973. Disease mechanism: loss of function.

Submission:

Labcorp Genetics (formerly Invitae), Labcorp
Classification: Pathogenic for Hereditary fructosuria. Last evaluated: 2022-02-09. Review status: criteria provided, single submitter. Criteria: Invitae Variant Classification Sherloc (09022015). Collection method: clinical testing. Allele origin: germline.
Comment: For these reasons, this variant has been classified as Pathogenic. This variant disrupts a region of the ALDOB protein in which other variant(s) (p.Ala338Val) have been determined to be pathogenic (PMID: 9610797, 10229688, 25595217). This suggests that this is a clinically significant region of the protein, and that variants that disrupt it are likely to be disease-causing. Variants that disrupt the consensus splice site are a relatively common cause of aberrant splicing (PMID: 17576681, 9536098). Algorithms developed to predict the effect of sequence changes on RNA splicing suggest that this variant may disrupt the consensus splice site. This variant has not been reported in the literature in individuals affected with ALDOB-related conditions. This variant is not present in population databases (gnomAD no frequency). This sequence change affects a donor splice site in intron 8 of the ALDOB gene. While this variant is not anticipated to result in nonsense mediated decay, it likely alters RNA splicing and results in a disrupted protein product.

Literature cited by the submitters: PubMed 9610797; PubMed 10229688; PubMed 25595217; PubMed 17576681; PubMed 9536098.